The following is an entry in ClinVar:

NM_153704.6(TMEM67):c.10C>G (p.Arg4Gly)

Gene: TMEM67 (transmembrane protein 67; plus strand). Cytogenetic location: 8q22.1.
Variant type: single nucleotide variant.
Coding change: c.10C>G on transcript NM_153704.6 (MANE Select); coding-DNA position 10, C replaced by G.
Protein change: p.Arg4Gly; replaces arginine 4 with glycine.
Molecular consequence: missense variant. On other transcripts: non-coding transcript variant (1), intron variant (1).
Genome position (GRCh38, 1-based): chr8:93,754,924, C>G. VCF-style: chr8-93754924-C-G. GRCh37 (hg19) VCF-style: chr8-94767152-C-G.
Other names: c.-180+15C>G (NM_001142301.1); short protein forms R4G.
Identifiers: ClinVar variation 3352385 (VCV003352385.1).

ClinVar aggregate classification (germline): Uncertain significance (0 of 4 stars; one submission).

Conditions:
TMEM67-related disorder. Also called: TMEM67-related condition; TMEM67-related disorders. Identifiers: MedGen CN239423.

gnomAD v4.1: 6 of 1,613,642 alleles (0.00037%); highest among the groups gnomAD compares: African/African-American, 0.0013%; no homozygotes.

Submission:

PreventionGenetics, part of Exact Sciences
Classification: Uncertain significance for TMEM67-related condition. Last evaluated: 2024-08-21. Review status: no assertion criteria provided. Collection method: clinical testing. Allele origin: germline.
Comment: The TMEM67 c.10C>G variant is predicted to result in the amino acid substitution p.Arg4Gly. To our knowledge, this variant has not been reported in the literature. This variant is reported in 0.0062% of alleles in individuals of African descent in gnomAD. At this time, the clinical significance of this variant is uncertain due to the absence of conclusive functional and genetic evidence.